The following is an entry in ClinVar:

ClinVar aggregate classification (germline): Likely benign (1 of 4 stars; one submission).

gnomAD v4.1: 180 of 1,614,100 alleles (0.011%); highest among the groups gnomAD compares: Non-Finnish European, 0.014%; no homozygotes.

Submission:

CeGaT Center for Human Genetics Tuebingen
Classification: Likely benign. Last evaluated: 2025-12-01. Review status: criteria provided, single submitter. Criteria: CeGaT Center For Human Genetics Tuebingen Variant Classification Criteria Version 2. Collection method: clinical testing. Allele origin: germline. Affected: yes. Observed: 2 variant alleles.
Comment: FRMD5: BP4, BP7

NM_032892.5(FRMD5):c.147T>C (p.His49=)

Gene: FRMD5 (FERM domain containing 5; minus strand). Cytogenetic location: 15q15.3.
Variant type: single nucleotide variant.
Coding change: c.147T>C on transcript NM_032892.5 (MANE Select); coding-DNA position 147, T replaced by C.
Protein change: p.His49=; no amino-acid change (histidine 49 retained).
Molecular consequence: synonymous variant. On other transcripts: 5 prime UTR variant (2), non-coding transcript variant (1), intron variant (1).
Genome position (GRCh38, 1-based): chr15:43,924,265, A>G on the plus strand (T>C on the coding strand, the complement: FRMD5 is on the minus strand). VCF-style: chr15-43924265-A-G. GRCh37 (hg19) VCF-style: chr15-44216463-A-G.
Other names: c.-121T>C (NM_001286490.2); c.-875T>C (NM_001286491.2); c.147T>C, p.His49= (NM_001322949.2, NM_001322950.2, NM_001411124.1); c.103-4456T>C (NM_001322951.2).
Identifiers: ClinVar variation 3771647 (VCV003771647.13).